The following is an entry in ClinVar:

ClinVar aggregate classification (germline): Uncertain significance. Review status: criteria provided, multiple submitters, no conflicts (2 of 4 stars). 8 submissions from 8 submitters: Uncertain significance (8). Last evaluated 2026-07-07.

Conditions:
COL12A1-related disorder. Also called: COL12A1-related condition.
Inborn genetic diseases. Identifiers: MedGen C0950123, MeSH D030342.
Ullrich congenital muscular dystrophy 2 (UCMD2). Identifiers: Orphanet 75840, MedGen C4225314, MONDO:0014654, OMIM 616470.
Bethlem myopathy 2 (BTHLM2). Identifiers: Orphanet 536516, Orphanet 610, MedGen C4225313, MONDO:0034022, OMIM 616471.

Allele frequency attached by ClinVar (database versions not stated): ESP Exome Variant Server 0.00008; gnomAD 0.00010; TOPMed 0.00020; ExAC 0.00036.

Submissions (8):

PreventionGenetics, part of Exact Sciences
Classification: Uncertain significance for COL12A1-related condition. Last evaluated: 2026-07-07. Review status: criteria provided, single submitter. Criteria: ACMG Guidelines, 2015. Collection method: clinical testing. Allele origin: germline.
Comment: The COL12A1 c.5393C>T variant is predicted to result in the amino acid substitution p.Thr1798Met. To our knowledge, this variant has not been reported in the literature. This variant is reported in 0.018% of alleles in individuals of African descent in gnomAD. At this time, the clinical significance of this variant is uncertain due to the absence of conclusive functional and genetic evidence.

Labcorp Genetics (formerly Invitae), Labcorp
Classification: Uncertain significance for Bethlem myopathy 2; Ullrich congenital muscular dystrophy 2. Last evaluated: 2026-01-21. Review status: criteria provided, single submitter. Criteria: Invitae Variant Classification Sherloc (09022015). Collection method: clinical testing. Allele origin: germline.
Comment: This sequence change replaces threonine, which is neutral and polar, with methionine, which is neutral and non-polar, at codon 1798 of the COL12A1 protein (p.Thr1798Met). This variant is present in population databases (rs370767331, gnomAD 0.02%). This variant has not been reported in the literature in individuals affected with COL12A1-related conditions. ClinVar contains an entry for this variant (Variation ID: 475874). An algorithm developed to predict the effect of missense changes on protein structure and function outputs the following: PolyPhen-2: "Benign". The methionine amino acid residue is found in multiple mammalian species, which suggests that this missense change does not adversely affect protein function. In summary, the available evidence is currently insufficient to determine the role of this variant in disease. Therefore, it has been classified as a Variant of Uncertain Significance.

Women's Health and Genetics/Laboratory Corporation of America, LabCorp
Classification: Uncertain significance. Last evaluated: 2025-12-26. Review status: criteria provided, single submitter. Criteria: LabCorp Variant Classification Summary - May 2015. Collection method: clinical testing. Allele origin: germline.
Comment: Variant summary: COL12A1 c.5393C>T (p.Thr1798Met) results in a non-conservative amino acid change located in the Fibronectin type III repeat domain (IPR003961) of the encoded protein sequence. Algorithms developed to predict the effect of missense changes on protein structure and function are either unavailable or do not agree on the potential impact of this missense change. Computational tools predict a significant impact on normal splicing: Two predict the variant weakens a canonical 5' donor site and one predicts the variant abolishes this site. One predicts the variant has no significant impact on splicing. However, these predictions have yet to be confirmed by functional studies. The variant allele was found at a frequency of 0.00012 in 211280 control chromosomes (gnomAD). This frequency is not significantly higher than estimated for disease-causing variants in COL12A1, allowing no conclusion about variant significance. To our knowledge, no occurrence of c.5393C>T in individuals affected with COL12A1-related conditions and no experimental evidence demonstrating its impact on protein function have been reported. ClinVar contains an entry for this variant (Variation ID: 475874). Based on the evidence outlined above, the variant was classified as uncertain significance.

GeneDx
Classification: Uncertain significance. Last evaluated: 2025-10-21. Review status: criteria provided, single submitter. Criteria: GeneDx Variant Classification Process June 2021. Collection method: clinical testing. Allele origin: germline. Affected: yes.
Comment: Has not been previously published as pathogenic or benign to our knowledge; In silico analysis suggests that this missense variant does not alter protein structure/function

Mayo Clinic Laboratories, Mayo Clinic
Classification: Uncertain significance. Last evaluated: 2022-12-22. Review status: criteria provided, single submitter. Criteria: ACMG Guidelines, 2015. Collection method: clinical testing. Allele origin: germline. Observed: 1 variant allele.
Comment: BP4

Ambry Genetics
Classification: Uncertain significance for Inborn genetic diseases. Last evaluated: 2022-10-03. Review status: criteria provided, single submitter. Criteria: Ambry Variant Classification Scheme 2023. Collection method: clinical testing. Allele origin: germline.

Revvity Omics, Revvity
Classification: Uncertain significance. Last evaluated: 2020-08-13. Review status: criteria provided, single submitter. Criteria: ACMG Guidelines, 2015. Collection method: clinical testing. Allele origin: germline.

Fulgent Genetics
Classification: Uncertain significance for Ullrich congenital muscular dystrophy 2; Bethlem myopathy 2. Last evaluated: 2018-10-31. Review status: criteria provided, single submitter. Criteria: ACMG Guidelines, 2015. Collection method: clinical testing. Allele origin: unknown.

NM_004370.6(COL12A1):c.5393C>T (p.Thr1798Met)

Gene: COL12A1 (collagen type XII alpha 1 chain; minus strand). Cytogenetic location: 6q13.
Variant type: single nucleotide variant.
Coding change: c.5393C>T on transcript NM_004370.6 (MANE Select); coding-DNA position 5393, C replaced by T.
Protein change: p.Thr1798Met; replaces threonine 1798 with methionine.
Molecular consequence: missense variant.
Genome position (GRCh38, 1-based): chr6:75,137,438, G>A on the plus strand (C>T on the coding strand, the complement: COL12A1 is on the minus strand). VCF-style: chr6-75137438-G-A. GRCh37 (hg19) VCF-style: chr6-75847154-G-A.
Other names: p.Thr1798Met; c.1901C>T, p.Thr634Met (NM_080645.3); short protein forms T1798M, T634M.
Identifiers: ClinVar variation 475874 (VCV000475874.24), dbSNP rs370767331, ClinGen allele CA3893151.
Genomic context (GRCh38, chr6:75,137,438, plus strand): 5'-AAGAGTTTGAAGAGAAATGGTAGAATTAATCCAAGTTATAATTTTTATTAAAAAATTACC[G>A]TTTGCTCATTGCCTTCCCCTGTGGAAGGCTGATAAGTGATCCTATATTTCTGCACACGAC-3'
Protein context (NP_004361.3, residues 1788-1808): QPSTGEGNEQ[Thr1798Met]TTIGGRQNSV